The following is an entry in ClinVar:

ClinVar aggregate classification (germline): Uncertain significance (1 of 4 stars; one submission).

Allele frequency attached by ClinVar (database versions not stated): gnomAD exomes below 0.00001.
gnomAD v4.1: 1 of 1,614,098 alleles (0.000062%); highest among the groups gnomAD compares: Non-Finnish European, 0.000085%; no homozygotes.

Submission:

Labcorp Genetics (formerly Invitae), Labcorp
Classification: Uncertain significance. Last evaluated: 2022-12-31. Review status: criteria provided, single submitter. Criteria: Invitae Variant Classification Sherloc (09022015). Collection method: clinical testing. Allele origin: germline.
Comment: Algorithms developed to predict the effect of sequence changes on RNA splicing suggest that this variant may disrupt the consensus splice site. Algorithms developed to predict the effect of missense changes on protein structure and function (SIFT, PolyPhen-2, Align-GVGD) all suggest that this variant is likely to be disruptive. This variant has not been reported in the literature in individuals affected with GEN1-related conditions. This variant is present in population databases (no rsID available, gnomAD 0.002%). This sequence change replaces aspartic acid, which is acidic and polar, with glycine, which is neutral and non-polar, at codon 157 of the GEN1 protein (p.Asp157Gly). In summary, the available evidence is currently insufficient to determine the role of this variant in disease. Therefore, it has been classified as a Variant of Uncertain Significance.

NM_001130009.3(GEN1):c.470A>G (p.Asp157Gly)

Gene: GEN1 (GEN1 structure-specific endonuclease; plus strand). Cytogenetic location: 2p24.2.
Variant type: single nucleotide variant.
Coding change: c.470A>G on transcript NM_001130009.3 (MANE Select); coding-DNA position 470, A replaced by G.
Protein change: p.Asp157Gly; replaces aspartic acid 157 with glycine.
Molecular consequence: missense variant.
Genome position (GRCh38, 1-based): chr2:17,765,018, A>G. VCF-style: chr2-17765018-A-G. GRCh37 (hg19) VCF-style: chr2-17946285-A-G.
Other names: c.470A>G, p.Asp157Gly (NM_182625.5); short protein forms D157G.
Identifiers: ClinVar variation 2904271 (VCV002904271.3), dbSNP rs1283160943, ClinGen allele CA345909611.